The following is an entry in ClinVar:

ClinVar aggregate classification (germline): Pathogenic. Review status: criteria provided, multiple submitters, no conflicts (2 of 4 stars). 5 submissions from 5 submitters: Pathogenic (5). Last evaluated 2024-10-11.

Conditions:
MMAA-related disorder. Also called: MMAA-related condition.
Methylmalonic aciduria, cblA type (MACA). Also called: Vitamin B12-responsive methylmalonic acidemia type cblA; Methylmalonic aciduria, vitamin B12-responsive; Methylmalonic aciduria, vitamin b12-responsive, due to defect in synthesis of adenosylcobalamin, cbla complementation type; MMA cbl A type; Methylmalonic acidemia cblA type. Identifiers: Orphanet 28, Orphanet 79310, MedGen C1855109, MONDO:0009613, OMIM 251100.

Allele frequency attached by ClinVar (database versions not stated): gnomAD 0.00001; TOPMed 0.00001.

Submissions (5):

Blueprint Genetics
Classification: Pathogenic for MMAA-related disorders. Last evaluated: 2024-10-11. Review status: criteria provided, single submitter. Criteria: ACMG Guidelines, 2015. Collection method: clinical testing. Allele origin: germline. Affected: yes. Observed: 3 variant alleles.

Fulgent Genetics
Classification: Pathogenic for Methylmalonic aciduria, cblA type. Last evaluated: 2024-03-14. Review status: criteria provided, single submitter. Criteria: ACMG Guidelines, 2015. Collection method: clinical testing. Allele origin: germline.

Labcorp Genetics (formerly Invitae), Labcorp
Classification: Pathogenic for Methylmalonic aciduria, cblA type. Last evaluated: 2023-12-18. Review status: criteria provided, single submitter. Criteria: Invitae Variant Classification Sherloc (09022015). Collection method: clinical testing. Allele origin: germline.
Comment: This sequence change creates a premature translational stop signal (p.Gly218Argfs*9) in the MMAA gene. It is expected to result in an absent or disrupted protein product. Loss-of-function variants in MMAA are known to be pathogenic (PMID: 15523652, 15781192). This variant is not present in population databases (gnomAD no frequency). This premature translational stop signal has been observed in individual(s) with methylmalonic aciduria cobalamin A type (PMID: 28497574). ClinVar contains an entry for this variant (Variation ID: 440804). For these reasons, this variant has been classified as Pathogenic.

CeGaT Center for Human Genetics Tuebingen
Classification: Pathogenic. Last evaluated: 2023-02-01. Review status: criteria provided, single submitter. Criteria: CeGaT Center For Human Genetics Tuebingen Variant Classification Criteria Version 2. Collection method: clinical testing. Allele origin: germline. Affected: yes. Observed: 2 variant alleles.

University Children's Hospital, University of Zurich
Classification: Pathogenic for Methylmalonic aciduria, cblA type. Review status: criteria provided, single submitter. Criteria: ZB-IEM Variant Assertion Criteria. Collection method: clinical testing. Allele origin: germline. Affected: yes. Observed: 1 variant allele.

Literature cited by the submitters: PubMed 15523652 (cited by Labcorp Genetics (formerly Invitae), Labcorp); PubMed 15781192 (cited by Labcorp Genetics (formerly Invitae), Labcorp); PubMed 28497574 (cited by Labcorp Genetics (formerly Invitae), Labcorp).

NM_172250.3(MMAA):c.651dup (p.Gly218fs)

Gene: MMAA (metabolism of cobalamin associated A; plus strand). Cytogenetic location: 4q31.21.
Variant type: Duplication.
Coding change: c.651dup on transcript NM_172250.3 (MANE Select); coding-DNA position 651, one base duplicated (A; older notation c.651dupA).
Protein change: p.Gly218fs; shifts the reading frame from glycine 218.
Molecular consequence: frameshift variant.
Genome position (GRCh38, 1-based): chr4:145,646,074, A duplicated. VCF-style (leftmost placement, unchanged base first): chr4-145646073-T-TA. GRCh37 (hg19) VCF-style: chr4-146567225-T-TA.
Other names: c.651dupA (NM_172250.2); short protein forms G218fs.
Identifiers: ClinVar variation 440804 (VCV000440804.38), dbSNP rs1314623572, ClinGen allele CA645509153.